The following is an entry in ClinVar:

ClinVar aggregate classification (germline): Uncertain significance (1 of 4 stars; one submission).

Submission:

GeneDx
Classification: Uncertain significance. Last evaluated: 2021-06-25. Review status: criteria provided, single submitter. Criteria: GeneDx Variant Classification Process June 2021. Collection method: clinical testing. Allele origin: germline. Affected: yes.
Comment: Not observed at significant frequency in large population cohorts (Lek et al., 2016); In silico analysis supports that this missense variant has a deleterious effect on protein structure/function; Has not been previously published as pathogenic or benign to our knowledge; This variant is associated with the following publications: (PMID: 27535533)

NM_004456.5(EZH2):c.218C>T (p.Ser73Phe)

Gene: EZH2 (enhancer of zeste 2 polycomb repressive complex 2 subunit; minus strand). Cytogenetic location: 7q36.1.
Variant type: single nucleotide variant.
Coding change: c.218C>T on transcript NM_004456.5 (MANE Select); coding-DNA position 218, C replaced by T.
Protein change: p.Ser73Phe; replaces serine 73 with phenylalanine.
Molecular consequence: missense variant.
Genome position (GRCh38, 1-based): chr7:148,846,498, G>A on the plus strand (C>T on the coding strand, the complement: EZH2 is on the minus strand). VCF-style: chr7-148846498-G-A. GRCh37 (hg19) VCF-style: chr7-148543590-G-A.
Other names: c.218C>T, p.Ser73Phe (NM_001203247.2, NM_001203248.2, NM_001203249.2 and 1 more transcripts); short protein forms S73F.
Identifiers: ClinVar variation 1329716 (VCV001329716.2), dbSNP rs2129484932, ClinGen allele CA369708134.